The following is an entry in ClinVar:

ClinVar aggregate classification (germline): Likely benign. Review status: criteria provided, multiple submitters, no conflicts (2 of 4 stars). 3 submissions from 3 submitters: Likely benign (2). 1 of the submissions does not count toward it. Last evaluated 2026-01-26.

Conditions:
Autosomal recessive severe congenital neutropenia due to CSF3R deficiency. Also called: Neutropenia, severe congenital, 7, autosomal recessive. Identifiers: Orphanet 420702, MedGen C4310764, MONDO:0014865, OMIM 617014.
CSF3R-related disorder. Also called: CSF3R-related condition.

Allele frequency attached by ClinVar (database versions not stated): gnomAD 0.00002 and 0.00003; TOPMed 0.00004; ExAC 0.00005; gnomAD exomes 0.00006 and 0.00007.
gnomAD v4.1: 87 of 1,614,044 alleles (0.0054%); highest among the groups gnomAD compares: Middle Eastern, 0.016%; no homozygotes.

Submissions (3):

Labcorp Genetics (formerly Invitae), Labcorp
Classification: Likely benign for Autosomal recessive severe congenital neutropenia due to CSF3R deficiency. Last evaluated: 2026-01-26. Review status: criteria provided, single submitter. Criteria: Invitae Variant Classification Sherloc (09022015). Collection method: clinical testing. Allele origin: germline.

Blueprint Genetics
Classification: Likely benign. Last evaluated: 2023-09-04. Review status: criteria provided, single submitter. Criteria: ACMG Guidelines, 2015. Collection method: clinical testing. Allele origin: germline.

PreventionGenetics, part of Exact Sciences
Classification: Likely benign for CSF3R-related condition. Last evaluated: 2019-08-06. Review status: no assertion criteria provided. Collection method: clinical testing. Allele origin: germline. Not counted in ClinVar's aggregate classification.
Comment: This variant is classified as likely benign based on ACMG/AMP sequence variant interpretation guidelines (Richards et al. 2015 PMID: 25741868, with internal and published modifications).

NM_000760.4(CSF3R):c.903G>A (p.Thr301=)

Gene: CSF3R (colony stimulating factor 3 receptor; minus strand). Cytogenetic location: 1p34.3.
Variant type: single nucleotide variant.
Coding change: c.903G>A on transcript NM_000760.4 (MANE Select); coding-DNA position 903, G replaced by A.
Protein change: p.Thr301=; no amino-acid change (threonine 301 retained).
Molecular consequence: synonymous variant.
Genome position (GRCh38, 1-based): chr1:36,472,332, C>T on the plus strand (G>A on the coding strand, the complement: CSF3R is on the minus strand). VCF-style: chr1-36472332-C-T. GRCh37 (hg19) VCF-style: chr1-36937933-C-T.
Other names: c.903G>A, p.Thr301= (LRG_144t1, NM_156039.3, NM_172313.3).
Identifiers: ClinVar variation 583118 (VCV000583118.11), dbSNP rs746383447, ClinGen allele CA769350.